The following is an entry in ClinVar:

NM_000520.6(HEXA):c.602del (p.Phe201fs)

Gene: HEXA (hexosaminidase subunit alpha; minus strand). Cytogenetic location: 15q23.
Variant type: Deletion.
Coding change: c.602del on transcript NM_000520.6 (MANE Select); coding-DNA position 602, one base deleted (T; older notation c.602delT).
Protein change: p.Phe201fs; shifts the reading frame from phenylalanine 201.
Molecular consequence: frameshift variant. On other transcripts: non-coding transcript variant (1).
Genome position (GRCh38, 1-based): chr15:72,351,203, A deleted on the plus strand (T on the coding strand, the reverse complement: HEXA is on the minus strand); the first of 2 consecutive A bases (chr15:72,351,203-72,351,204); deleting either gives the same sequence. VCF-style (leftmost placement, unchanged base first): chr15-72351202-GA-G. GRCh37 (hg19) VCF-style: chr15-72643543-GA-G.
Other names: c.635del, p.Phe212fs (NM_001318825.2); short protein forms F201fs, F212fs.
Identifiers: ClinVar variation 4814265 (VCV004814265.1).

ClinVar aggregate classification (germline): Likely pathogenic (1 of 4 stars; one submission).

Conditions:
Tay-Sachs disease (TSD). Also called: HEXA DEFICIENCY; HEXA Disorders; GM2 gangliosidosis, type 1; Hexosaminidase alpha-subunit deficiency (variant B); Sphingolipidosis, Tay-Sachs; Hexosaminidase A Deficiency. Identifiers: Orphanet 845, MedGen C0039373, MONDO:0010100, OMIM 272800.

Submission:

Natera, Inc.
Classification: Likely pathogenic for Tay-Sachs disease. Last evaluated: 2025-06-23. Review status: criteria provided, single submitter. Criteria: Natera Variant Classification Schema (03/2026). Collection method: clinical testing. Allele origin: germline.
Comment: The c.602del variant in HEXA is a frameshift variant predicted to shift the reading frame beginning at codon 201 and leads to a stop codon 6 codons downstream. This variant is expected to result in nonsense mediated decay, truncation, or a dysfunctional protein product. This variant is rare in the general population with a frequency below the threshold expected for the associated phenotype(s). Given the available evidence, this variant is classified as Likely Pathogenic.